The following is an entry in ClinVar:

NM_016204.4(GDF2):c.251A>T (p.Glu84Val)

Gene: GDF2 (growth differentiation factor 2; plus strand). Cytogenetic location: 10q11.22.
Variant type: single nucleotide variant.
Coding change: c.251A>T on transcript NM_016204.4 (MANE Select); coding-DNA position 251, A replaced by T.
Protein change: p.Glu84Val; replaces glutamic acid 84 with valine.
Molecular consequence: missense variant.
Genome position (GRCh38, 1-based): chr10:47,322,919, A>T. VCF-style: chr10-47322919-A-T. GRCh37 (hg19) VCF-style: chr10-48416443-T-A.
Other names: short protein forms E84V.
Identifiers: ClinVar variation 4780169 (VCV004780169.1).

ClinVar aggregate classification (germline): Uncertain significance (1 of 4 stars; one submission).

Conditions:
Telangiectasia, hereditary hemorrhagic, type 5 (HHT5). Identifiers: Orphanet 774, MedGen C3809710, MONDO:0014217, OMIM 615506.

Submission:

Labcorp Genetics (formerly Invitae), Labcorp
Classification: Uncertain significance for Telangiectasia, hereditary hemorrhagic, type 5. Last evaluated: 2025-04-28. Review status: criteria provided, single submitter. Criteria: Invitae Variant Classification Sherloc (09022015). Collection method: clinical testing. Allele origin: germline.
Comment: This sequence change replaces glutamic acid, which is acidic and polar, with valine, which is neutral and non-polar, at codon 84 of the GDF2 protein (p.Glu84Val). This variant is not present in population databases (gnomAD no frequency). This variant has not been reported in the literature in individuals affected with GDF2-related conditions. An algorithm developed to predict the effect of missense changes on protein structure and function (PolyPhen-2) suggests that this variant is likely to be tolerated. In summary, the available evidence is currently insufficient to determine the role of this variant in disease. Therefore, it has been classified as a Variant of Uncertain Significance.